The following is an entry in ClinVar:

NM_139027.6(ADAMTS13):c.1492C>T (p.Arg498Cys)

Gene: ADAMTS13 (ADAM metallopeptidase with thrombospondin type 1 motif 13; plus strand). Cytogenetic location: 9q34.2.
Variant type: single nucleotide variant.
Coding change: c.1492C>T on transcript NM_139027.6 (MANE Select); coding-DNA position 1492, C replaced by T.
Protein change: p.Arg498Cys; replaces arginine 498 with cysteine.
Molecular consequence: missense variant.
Genome position (GRCh38, 1-based): chr9:133,437,805, C>T. VCF-style: chr9-133437805-C-T. GRCh37 (hg19) VCF-style: chr9-136302925-C-T.
Other names: c.1492C>T, p.Arg498Cys (NM_139025.5); c.1399C>T, p.Arg467Cys (NM_139026.6); short protein forms R467C, R498C.
Identifiers: ClinVar variation 1323853 (VCV001323853.8), dbSNP rs201457594, ClinGen allele CA200930293.
Genomic context (GRCh38, chr9:133,437,805, plus strand): 5'-CCAGGGGATGCTCTGTGCAGACACATGTGCCGGGCCATTGGCGAGAGCTTCATCATGAAG[C>T]GTGGAGACAGCTTCCTCGATGGGACCCGGTGTATGCCAAGTGGCCCCCGGGAGGACGGGA-3'
Protein context (NP_620596.2, residues 488-508): RAIGESFIMK[Arg498Cys]GDSFLDGTRC

ClinVar aggregate classification (germline): Likely pathogenic. Review status: criteria provided, multiple submitters, no conflicts (2 of 4 stars). 3 submissions from 3 submitters: Likely pathogenic (3). Last evaluated 2024-05-25.

Conditions:
Upshaw-Schulman syndrome (TTP). Also called: THROMBOTIC THROMBOCYTOPENIC PURPURA, HEREDITARY; Congenital thrombotic thrombocytopenic purpura. Identifiers: Orphanet 93583, MedGen C1268935, MONDO:0010122, OMIM 274150.

Allele frequency attached by ClinVar (database versions not stated): TOPMed 0.00001; gnomAD exomes 0.00002; ExAC 0.00004; 1000 Genomes Project 30x 0.00031; 1000 Genomes Project 0.00040.

Submissions (3):

Fulgent Genetics
Classification: Likely pathogenic for Upshaw-Schulman syndrome. Last evaluated: 2024-05-25. Review status: criteria provided, single submitter. Criteria: ACMG Guidelines, 2015. Collection method: clinical testing. Allele origin: germline.

Labcorp Genetics (formerly Invitae), Labcorp
Classification: Likely pathogenic. Last evaluated: 2023-08-04. Review status: criteria provided, single submitter. Criteria: Invitae Variant Classification Sherloc (09022015). Collection method: clinical testing. Allele origin: germline.
Comment: This sequence change replaces arginine, which is basic and polar, with cysteine, which is neutral and slightly polar, at codon 498 of the ADAMTS13 protein (p.Arg498Cys). This variant is present in population databases (rs201457594, gnomAD 0.009%). This missense change has been observed in individual(s) with congenital thrombotic thrombocytopenic purpura (PMID: 24859360, 29763513). In at least one individual the data is consistent with being in trans (on the opposite chromosome) from a pathogenic variant. ClinVar contains an entry for this variant (Variation ID: 1323853). Advanced modeling of protein sequence and biophysical properties (such as structural, functional, and spatial information, amino acid conservation, physicochemical variation, residue mobility, and thermodynamic stability) performed at Invitae indicates that this missense variant is expected to disrupt ADAMTS13 protein function. In summary, the currently available evidence indicates that the variant is pathogenic, but additional data are needed to prove that conclusively. Therefore, this variant has been classified as Likely Pathogenic.

Revvity Omics, Revvity
Classification: Likely pathogenic for Upshaw-Schulman syndrome. Last evaluated: 2019-09-27. Review status: criteria provided, single submitter. Criteria: ACMG Guidelines, 2015. Collection method: clinical testing. Allele origin: germline.

Literature cited by the submitters: PubMed 24859360 (cited by Labcorp Genetics (formerly Invitae), Labcorp); PubMed 29763513 (cited by Labcorp Genetics (formerly Invitae), Labcorp).